The following is an entry in ClinVar:

NM_014862.4(ARNT2):c.1636G>A (p.Gly546Arg)

Genes: ARNT2 (aryl hydrocarbon receptor nuclear translocator 2; plus strand), ARNT2-AS1 (ARNT2 antisense RNA 1; minus strand). Cytogenetic location: 15q25.1.
Variant type: single nucleotide variant.
Coding change: c.1636G>A on transcript NM_014862.4 (MANE Select); coding-DNA position 1636, G replaced by A.
Protein change: p.Gly546Arg; replaces glycine 546 with arginine.
Molecular consequence: missense variant.
Genome position (GRCh38, 1-based): chr15:80,580,433, G>A. VCF-style: chr15-80580433-G-A. GRCh37 (hg19) VCF-style: chr15-80872774-G-A.
Other names: c.1636G>A (NM_014862.3); short protein forms G546R.
Identifiers: ClinVar variation 2189028 (VCV002189028.2), dbSNP rs769017961, ClinGen allele CA7692103.
Genomic context (GRCh38, chr15:80,580,433, plus strand): 5'-GTGTGTCCTCGGGATAAATGCATTTTCCTCTTTTCTAGCTCTTCAGTGGTTCATGTGCCT[G>A]GAGTGAATGATATTCAGTCCTCTTCTTCCACGGGCCAGAACATGTCCCAAATCTCCCGGC-3'
Protein context (NP_055677.3, residues 536-556): AFSSSVVHVP[Gly546Arg]VNDIQSSSST

ClinVar aggregate classification (germline): Uncertain significance. Review status: criteria provided, multiple submitters, no conflicts (2 of 4 stars). 2 submissions from 2 submitters: Uncertain significance (2). Last evaluated 2022-04-13.

Allele frequency attached by ClinVar (database versions not stated): gnomAD 0.00001; ExAC 0.00002; TOPMed 0.00003.
gnomAD v4.1: 14 of 1,614,014 alleles (0.00087%); highest among the groups gnomAD compares: Admixed American, 0.023%; no homozygotes.

Submissions (2):

Labcorp Genetics (formerly Invitae), Labcorp
Classification: Uncertain significance. Last evaluated: 2022-04-13. Review status: criteria provided, single submitter. Criteria: Invitae Variant Classification Sherloc (09022015). Collection method: clinical testing. Allele origin: germline.
Comment: This sequence change replaces glycine, which is neutral and non-polar, with arginine, which is basic and polar, at codon 546 of the ARNT2 protein (p.Gly546Arg). This variant is present in population databases (rs769017961, gnomAD 0.03%). This variant has not been reported in the literature in individuals affected with ARNT2-related conditions. Algorithms developed to predict the effect of missense changes on protein structure and function are either unavailable or do not agree on the potential impact of this missense change (SIFT: "Deleterious"; PolyPhen-2: "Probably Damaging"; Align-GVGD: "Class C0"). Algorithms developed to predict the effect of sequence changes on RNA splicing suggest that this variant may disrupt the consensus splice site. In summary, the available evidence is currently insufficient to determine the role of this variant in disease. Therefore, it has been classified as a Variant of Uncertain Significance.

Ambry Genetics
Classification: Uncertain significance. Last evaluated: 2021-11-09. Review status: criteria provided, single submitter. Criteria: Ambry Variant Classification Scheme 2023. Collection method: clinical testing. Allele origin: germline.